The following is an entry in ClinVar:

NM_000194.3(HPRT1):c.610-3T>A

Gene: HPRT1 (hypoxanthine phosphoribosyltransferase 1; plus strand). Cytogenetic location: Xq26.3.
Variant type: single nucleotide variant.
Coding change: c.610-3T>A on transcript NM_000194.3 (MANE Select); 3 bases into the intron before coding-DNA position 610, T replaced by A.
Molecular consequence: intron variant.
Genome position (GRCh38, 1-based): chrX:134,500,027, T>A. VCF-style: chrX-134500027-T-A. GRCh37 (hg19) VCF-style: chrX-133634057-T-A.
Identifiers: ClinVar variation 3391637 (VCV003391637.1).

ClinVar aggregate classification (germline): Uncertain significance (1 of 4 stars; one submission).

Submission:

GeneDx
Classification: Uncertain significance. Last evaluated: 2024-06-20. Review status: criteria provided, single submitter. Criteria: GeneDx Variant Classification Process June 2021. Collection method: clinical testing. Allele origin: germline. Affected: yes.
Comment: Not observed at significant frequency in large population cohorts (gnomAD); In silico analysis supports a deleterious effect on splicing; Has not been previously published as pathogenic or benign to our knowledge.